The following is an entry in ClinVar:

ClinVar aggregate classification (germline): Likely benign. Review status: criteria provided, multiple submitters, no conflicts (2 of 4 stars). 2 submissions from 2 submitters: Likely benign (2). Last evaluated 2024-12-30.

Conditions:
PROM1-related disorder. Also called: PROM1-related disorders; PROM1-related condition.

Allele frequency attached by ClinVar (database versions not stated): gnomAD exomes below 0.00001 and 0.00001; gnomAD 0.00001; TOPMed 0.00002.
gnomAD v4.1: 9 of 1,600,014 alleles (0.00056%); highest among the groups gnomAD compares: Non-Finnish European, 0.0006%; no homozygotes.

Submissions (2):

PreventionGenetics, part of Exact Sciences
Classification: Likely benign for PROM1-related condition. Last evaluated: 2024-12-30. Review status: criteria provided, single submitter. Criteria: ACMG Guidelines, 2015. Collection method: clinical testing. Allele origin: germline.
Comment: This variant is classified as likely benign based on ACMG/AMP sequence variant interpretation guidelines (Richards et al. 2015 PMID: 25741868, with internal and published modifications).

Labcorp Genetics (formerly Invitae), Labcorp
Classification: Likely benign. Last evaluated: 2022-07-11. Review status: criteria provided, single submitter. Criteria: Invitae Variant Classification Sherloc (09022015). Collection method: clinical testing. Allele origin: germline.

NM_006017.3(PROM1):c.1221A>G (p.Ser407=)

Gene: PROM1 (prominin 1; minus strand). Cytogenetic location: 4p15.32.
Variant type: single nucleotide variant.
Coding change: c.1221A>G on transcript NM_006017.3 (MANE Select); coding-DNA position 1221, A replaced by G.
Protein change: p.Ser407=; no amino-acid change (serine 407 retained).
Molecular consequence: synonymous variant.
Genome position (GRCh38, 1-based): chr4:16,009,029, T>C on the plus strand (A>G on the coding strand, the complement: PROM1 is on the minus strand). VCF-style: chr4-16009029-T-C. GRCh37 (hg19) VCF-style: chr4-16010652-T-C.
Other names: c.1194A>G, p.Ser398= (NM_001145847.2, NM_001145848.2, NM_001145851.2 and 4 more transcripts); c.1221A>G, p.Ser407= (NM_001145849.2, NM_001145850.2); c.1221A>G (NM_006017.2).
Identifiers: ClinVar variation 1665033 (VCV001665033.9), dbSNP rs1382801591, ClinGen allele CA438388314.